The following is an entry in ClinVar:

ClinVar aggregate classification (germline): Uncertain significance (1 of 4 stars; one submission).

Conditions:
Focal segmental glomerulosclerosis 5 (FSGS5). Identifiers: Orphanet 656, MedGen C2750475, MONDO:0013191, OMIM 613237.
Charcot-Marie-Tooth disease dominant intermediate E. Also called: CHARCOT-MARIE-TOOTH NEUROPATHY WITH FOCAL SEGMENTAL GLOMERULONEPHRITIS. Identifiers: Orphanet 93114, MedGen C4302667, MONDO:0013758, OMIM 614455.

Submission:

Labcorp Genetics (formerly Invitae), Labcorp
Classification: Uncertain significance for Charcot-Marie-Tooth disease dominant intermediate E; Focal segmental glomerulosclerosis 5. Last evaluated: 2024-10-21. Review status: criteria provided, single submitter. Criteria: Invitae Variant Classification Sherloc (09022015). Collection method: clinical testing. Allele origin: germline.
Comment: This sequence change replaces leucine, which is neutral and non-polar, with valine, which is neutral and non-polar, at codon 315 of the INF2 protein (p.Leu315Val). This variant is present in population databases (no rsID available, gnomAD 0.001%). This variant has not been reported in the literature in individuals affected with INF2-related conditions. Invitae Evidence Modeling of protein sequence and biophysical properties (such as structural, functional, and spatial information, amino acid conservation, physicochemical variation, residue mobility, and thermodynamic stability) indicates that this missense variant is not expected to disrupt INF2 protein function with a negative predictive value of 95%. In summary, the available evidence is currently insufficient to determine the role of this variant in disease. Therefore, it has been classified as a Variant of Uncertain Significance.

NM_022489.4(INF2):c.943C>G (p.Leu315Val)

Gene: INF2 (inverted formin 2; plus strand). Cytogenetic location: 14q32.33.
Variant type: single nucleotide variant.
Coding change: c.943C>G on transcript NM_022489.4 (MANE Select); coding-DNA position 943, C replaced by G.
Protein change: p.Leu315Val; replaces leucine 315 with valine.
Molecular consequence: missense variant. On other transcripts: non-coding transcript variant (1).
Genome position (GRCh38, 1-based): chr14:104,707,009, C>G. VCF-style: chr14-104707009-C-G. GRCh37 (hg19) VCF-style: chr14-105173346-C-G.
Other names: c.943C>G, p.Leu315Val (NM_001031714.4, NM_001426862.1, NM_001426863.1 and 2 more transcripts); short protein forms L315V.
Identifiers: ClinVar variation 3758995 (VCV003758995.2).